The following is an entry in ClinVar:

NM_001429.4(EP300):c.1921C>A (p.Gln641Lys)

Gene: EP300 (EP300 lysine acetyltransferase; plus strand). Cytogenetic location: 22q13.2.
Variant type: single nucleotide variant.
Coding change: c.1921C>A on transcript NM_001429.4 (MANE Select); coding-DNA position 1921, C replaced by A.
Protein change: p.Gln641Lys; replaces glutamine 641 with lysine.
Molecular consequence: missense variant.
Genome position (GRCh38, 1-based): chr22:41,141,090, C>A. VCF-style: chr22-41141090-C-A. GRCh37 (hg19) VCF-style: chr22-41537094-C-A.
Other names: c.1921C>A, p.Gln641Lys (NM_001362843.2); short protein forms Q641K.
Identifiers: ClinVar variation 3362786 (VCV003362786.2).

ClinVar aggregate classification (germline): Likely pathogenic (1 of 4 stars; one submission).

Conditions:
Rubinstein-Taybi syndrome due to EP300 haploinsufficiency. Also called: EP300-Related Rubinstein-Taybi Syndrome; RUBINSTEIN-TAYBI SYNDROME 2. Identifiers: Orphanet 353284, Orphanet 783, MedGen C3150941, MONDO:0013364, OMIM 613684.

Submission:

Centre de Génétique Humaine, Institut de Pathologie Et de Génétique
Classification: Likely pathogenic for Rubinstein-Taybi syndrome due to EP300 haploinsufficiency. Last evaluated: 2024-05-22. Review status: criteria provided, single submitter. Criteria: ACMG Guidelines, 2015. Collection method: clinical testing. Allele origin: de novo. Inheritance: Autosomal dominant inheritance. Affected: yes. Observed: 1 heterozygote.
Comment: The variant: - affects a highly conserved nucleotide (phyloP: 7.84 [-19.0, 11.0]), - affects a highly conserved amino acid residue which is part of a functionnal domain of the protein (Coactivator CBP, KIX domain), - induces a small modification of the physicochemical propreties of the residue (Grantham dist: 53 [0-215]), - PM2: is absent from population database (GnomAD v4.1.0), - PP3: is predicted as "intolerant/deleterious" by multiple lines of in silico evidences (CADD (v1.6): Phred: 25.2, Raw score: 3.64, REVEL (v2021-05-03): Score: 0.797, Align GVGD (v2007): Class C0 (GV: 223.30 - GD: 36.80), PolyPhen2: HDivPred: probably damaging (score: 0.989), HVarPred: probably damaging (score: 0.957), SIFT (v6.2.0): DELETERIOUS (score: 0.00, median: 3.53), MutationTaster (v2021): Deleterious), - PS2: occured de novo (paternity & maternity have been confirmed)